The following is an entry in ClinVar:

ClinVar aggregate classification (germline): Uncertain significance (1 of 4 stars; one submission).

Allele frequency attached by ClinVar (database versions not stated): gnomAD 0.00001.

Submission:

Labcorp Genetics (formerly Invitae), Labcorp
Classification: Uncertain significance. Last evaluated: 2023-08-22. Review status: criteria provided, single submitter. Criteria: Invitae Variant Classification Sherloc (09022015). Collection method: clinical testing. Allele origin: germline.
Comment: This sequence change replaces lysine, which is basic and polar, with glutamic acid, which is acidic and polar, at codon 20 of the RNF113A protein (p.Lys20Glu). This variant is present in population databases (no rsID available, gnomAD 0.02%). This variant has not been reported in the literature in individuals affected with RNF113A-related conditions. Advanced modeling of protein sequence and biophysical properties (such as structural, functional, and spatial information, amino acid conservation, physicochemical variation, residue mobility, and thermodynamic stability) performed at Invitae indicates that this missense variant is expected to disrupt RNF113A protein function. In summary, the available evidence is currently insufficient to determine the role of this variant in disease. Therefore, it has been classified as a Variant of Uncertain Significance.

NM_006978.3(RNF113A):c.58A>G (p.Lys20Glu)

Genes: RNF113A (ring finger protein 113A; minus strand), LOC130068621 (ATAC-STARR-seq lymphoblastoid active region 29902; plus strand). Cytogenetic location: Xq24.
Variant type: single nucleotide variant.
Coding change: c.58A>G on transcript NM_006978.3 (MANE Select); coding-DNA position 58, A replaced by G.
Protein change: p.Lys20Glu; replaces lysine 20 with glutamic acid.
Molecular consequence: missense variant.
Genome position (GRCh38, 1-based): chrX:119,871,556, T>C on the plus strand (A>G on the coding strand, the complement: RNF113A is on the minus strand). VCF-style: chrX-119871556-T-C. GRCh37 (hg19) VCF-style: chrX-119005519-T-C.
Other names: short protein forms K20E.
Identifiers: ClinVar variation 2848908 (VCV002848908.3), dbSNP rs1482574734, ClinGen allele CA414189586.